The following is an entry in ClinVar:

ClinVar aggregate classification (germline): Uncertain significance (1 of 4 stars; one submission).

Conditions:
Pitt-Hopkins-like syndrome 2 (PTHSL2). Identifiers: Orphanet 221150, Orphanet 600663, MedGen C3280479, MONDO:0013690, OMIM 614325.

gnomAD v4.1: 9 of 1,607,868 alleles (0.00056%); highest among the groups gnomAD compares: Non-Finnish European, 0.00068%; no homozygotes.

Submission:

Labcorp Genetics (formerly Invitae), Labcorp
Classification: Uncertain significance for Pitt-Hopkins-like syndrome 2. Last evaluated: 2024-11-05. Review status: criteria provided, single submitter. Criteria: Invitae Variant Classification Sherloc (09022015). Collection method: clinical testing. Allele origin: germline.
Comment: This sequence change replaces serine, which is neutral and polar, with proline, which is neutral and non-polar, at codon 191 of the NRXN1 protein (p.Ser191Pro). This variant is not present in population databases (gnomAD no frequency). This variant has not been reported in the literature in individuals affected with NRXN1-related conditions. An algorithm developed to predict the effect of missense changes on protein structure and function (PolyPhen-2) suggests that this variant is likely to be tolerated. In summary, the available evidence is currently insufficient to determine the role of this variant in disease. Therefore, it has been classified as a Variant of Uncertain Significance.

NM_001330078.2(NRXN1):c.571T>C (p.Ser191Pro)

Gene: NRXN1 (neurexin 1; minus strand). Cytogenetic location: 2p16.3.
Variant type: single nucleotide variant.
Coding change: c.571T>C on transcript NM_001330078.2 (MANE Select); coding-DNA position 571, T replaced by C.
Protein change: p.Ser191Pro; replaces serine 191 with proline.
Molecular consequence: missense variant.
Genome position (GRCh38, 1-based): chr2:51,027,703, A>G on the plus strand (T>C on the coding strand, the complement: NRXN1 is on the minus strand). VCF-style: chr2-51027703-A-G. GRCh37 (hg19) VCF-style: chr2-51254841-A-G.
Other names: c.571T>C, p.Ser191Pro (NM_001135659.3, NM_001330077.2, NM_001330079.2 and 15 more transcripts); short protein forms S191P.
Identifiers: ClinVar variation 3677615 (VCV003677615.2).